The following is an entry in ClinVar:

NM_004984.4(KIF5A):c.2572C>T (p.Leu858Phe)

Gene: KIF5A (kinesin family member 5A; plus strand). Cytogenetic location: 12q13.3.
Variant type: single nucleotide variant.
Coding change: c.2572C>T on transcript NM_004984.4 (MANE Select); coding-DNA position 2572, C replaced by T.
Protein change: p.Leu858Phe; replaces leucine 858 with phenylalanine.
Molecular consequence: missense variant.
Genome position (GRCh38, 1-based): chr12:57,580,989, C>T. VCF-style: chr12-57580989-C-T. GRCh37 (hg19) VCF-style: chr12-57974772-C-T.
Other names: c.2305C>T, p.Leu769Phe (NM_001354705.2); short protein forms L769F, L858F.
Identifiers: ClinVar variation 3775207 (VCV003775207.1).
Genomic context (GRCh38, chr12:57,580,989, plus strand): 5'-ACTTCTTCCCTTTGGCTTGCCCCATAGCTGGTACGTGACAATGCAGATCTGCGTTGTGAG[C>T]TTCCTAAATTGGAAAAACGACTTAGGGCTACGGCTGAGAGAGTTAAGGCCCTGGAGGGTG-3'
Protein context (NP_004975.2, residues 848-868): VRDNADLRCE[Leu858Phe]PKLEKRLRAT

ClinVar aggregate classification (germline): Uncertain significance (1 of 4 stars; one submission).

Conditions:
Hereditary spastic paraplegia 10 (SPG10). Also called: SPASTIC PARAPLEGIA 10, AUTOSOMAL DOMINANT; SPASTIC PARAPLEGIA 10 WITH OR WITHOUT PERIPHERAL NEUROPATHY; SPASTIC PARAPLEGIA 10 WITH PERIPHERAL NEUROPATHY. Identifiers: Orphanet 100991, MedGen C1858712, MONDO:0011408, OMIM 604187.

Submission:

3billion
Classification: Uncertain significance for Hereditary spastic paraplegia 10. Last evaluated: 2024-02-08. Review status: criteria provided, single submitter. Criteria: ACMG Guidelines, 2015. Collection method: clinical testing. Allele origin: germline. Affected: yes.
Comment: The variant is not observed in the gnomAD v2.1.1 dataset. Predicted Consequence/Location: Missense changes are a common disease-causing mechanism. In silico tool predictions suggest damaging effect of the variant on gene or gene product [REVEL: 0.66 (>=0.6, sensitivity 0.68 and specificity 0.92)]. Therefore, this variant is classified as VUS according to the recommendation of ACMG/AMP guideline.